The following is an entry in ClinVar:

NM_014974.3(DIP2C):c.4240C>T (p.Arg1414Cys)

Gene: DIP2C (DIP2 acetate--CoA ligase C (putative); minus strand). Cytogenetic location: 10p15.3.
Variant type: single nucleotide variant.
Coding change: c.4240C>T on transcript NM_014974.3 (MANE Select); coding-DNA position 4240, C replaced by T.
Protein change: p.Arg1414Cys; replaces arginine 1414 with cysteine.
Molecular consequence: missense variant.
Genome position (GRCh38, 1-based): chr10:283,326, G>A on the plus strand (C>T on the coding strand, the complement: DIP2C is on the minus strand). VCF-style: chr10-283326-G-A. GRCh37 (hg19) VCF-style: chr10-329266-G-A.
Other names: c.4240C>T (NM_014974.2); short protein forms R1414C.
Identifiers: ClinVar variation 1954219 (VCV001954219.6), dbSNP rs534481067, ClinGen allele CA5379502.

ClinVar aggregate classification (germline): Uncertain significance. Review status: criteria provided, multiple submitters, no conflicts (2 of 4 stars). 2 submissions from 2 submitters: Uncertain significance (2). Last evaluated 2025-09-13.

Conditions:
Inborn genetic diseases. Identifiers: MedGen C0950123, MeSH D030342.

Allele frequency attached by ClinVar (database versions not stated): ExAC 0.00005; TOPMed 0.00012; gnomAD 0.00015.
gnomAD v4.1: 201 of 1,613,992 alleles (0.012%); highest among the groups gnomAD compares: Non-Finnish European, 0.016%; no homozygotes.

Submissions (2):

Labcorp Genetics (formerly Invitae), Labcorp
Classification: Uncertain significance. Last evaluated: 2025-09-13. Review status: criteria provided, single submitter. Criteria: Invitae Variant Classification Sherloc (09022015). Collection method: clinical testing. Allele origin: germline.
Comment: This sequence change replaces arginine, which is basic and polar, with cysteine, which is neutral and slightly polar, at codon 1414 of the DIP2C protein (p.Arg1414Cys). This variant is present in population databases (rs534481067, gnomAD 0.01%). This variant has not been reported in the literature in individuals affected with DIP2C-related conditions. ClinVar contains an entry for this variant (Variation ID: 1954219). An algorithm developed to predict the effect of missense changes on protein structure and function (PolyPhen-2) suggests that this variant is likely to be disruptive. In summary, the available evidence is currently insufficient to determine the role of this variant in disease. Therefore, it has been classified as a Variant of Uncertain Significance.

Ambry Genetics
Classification: Uncertain significance for Inborn genetic diseases. Last evaluated: 2023-09-20. Review status: criteria provided, single submitter. Criteria: Ambry Variant Classification Scheme 2023. Collection method: clinical testing. Allele origin: germline.